The following is an entry in ClinVar:

ClinVar aggregate classification (germline): Likely benign. Review status: criteria provided, multiple submitters, no conflicts (2 of 4 stars). 7 submissions from 7 submitters: Likely benign (6). 1 of the submissions does not count toward it. Last evaluated 2026-06-01.

Conditions:
CFTR-related disorder (CFTR-RD). Also called: CFTR-related disorders; CFTR-related condition. Identifiers: MedGen C5924204, MONDO:7770004.
Cystic fibrosis (CF). Also called: MUCOVISCIDOSIS. Identifiers: Orphanet 586, MedGen C0010674, MONDO:0009061, OMIM 219700. Disease mechanism: loss of function.

Allele frequency attached by ClinVar (database versions not stated): gnomAD exomes 0.00003; gnomAD 0.00004 and 0.00005; ExAC 0.00005; TOPMed 0.00005.
gnomAD v4.1: 36 of 1,613,770 alleles (0.0022%); highest among the groups gnomAD compares: Middle Eastern, 0.016%; no homozygotes.

Submissions (7):

CeGaT Center for Human Genetics Tuebingen
Classification: Likely benign. Last evaluated: 2026-06-01. Review status: criteria provided, single submitter. Criteria: CeGaT Center For Human Genetics Tuebingen Variant Classification Criteria Version 2. Collection method: clinical testing. Allele origin: germline. Affected: yes. Observed: 1 variant allele.
Comment: CFTR: BP4, BP7

Labcorp Genetics (formerly Invitae), Labcorp
Classification: Likely benign for Cystic fibrosis. Last evaluated: 2026-01-20. Review status: criteria provided, single submitter. Criteria: Invitae Variant Classification Sherloc (09022015). Collection method: clinical testing. Allele origin: germline.

Quest Diagnostics Nichols Institute San Juan Capistrano
Classification: Likely benign. Last evaluated: 2025-07-09. Review status: criteria provided, single submitter. Criteria: Quest Diagnostics criteria. Collection method: clinical testing. Allele origin: unknown.

Blueprint Genetics
Classification: Likely benign. Last evaluated: 2024-08-20. Review status: criteria provided, single submitter. Criteria: ACMG Guidelines, 2015. Collection method: clinical testing. Allele origin: germline.

Ambry Genetics
Classification: Likely benign for Cystic fibrosis. Last evaluated: 2019-09-27. Review status: criteria provided, single submitter. Criteria: Ambry Variant Classification Scheme 2023. Collection method: clinical testing. Allele origin: germline.

Breakthrough Genomics
Classification: Likely benign. Review status: criteria provided, single submitter. Criteria: ACMG Guidelines, 2015. Collection method: not provided. Allele origin: germline. Inheritance: Autosomal recessive inheritance. Affected: yes.

PreventionGenetics, part of Exact Sciences
Classification: Likely benign for CFTR-related condition. Last evaluated: 2023-12-18. Review status: no assertion criteria provided. Collection method: clinical testing. Allele origin: germline. Not counted in ClinVar's aggregate classification.
Comment: This variant is classified as likely benign based on ACMG/AMP sequence variant interpretation guidelines (Richards et al. 2015 PMID: 25741868, with internal and published modifications).

Literature cited by the submitters: PubMed 25735457 (cited by Quest Diagnostics Nichols Institute San Juan Capistrano).

NM_000492.4(CFTR):c.2052A>G (p.Lys684=)

Gene: CFTR (CF transmembrane conductance regulator; plus strand). Cytogenetic location: 7q31.2.
Variant type: single nucleotide variant.
Coding change: c.2052A>G on transcript NM_000492.4 (MANE Select); coding-DNA position 2052, A replaced by G.
Protein change: p.Lys684=; no amino-acid change (lysine 684 retained).
Molecular consequence: synonymous variant.
Genome position (GRCh38, 1-based): chr7:117,592,219, A>G. VCF-style: chr7-117592219-A-G. GRCh37 (hg19) VCF-style: chr7-117232273-A-G.
Identifiers: ClinVar variation 701007 (VCV000701007.21), dbSNP rs750642366, ClinGen allele CA4451134.